The following is an entry in ClinVar:

ClinVar aggregate classification (germline): Pathogenic (1 of 4 stars; one submission).

Submission:

Illumina Laboratory Services, Illumina
Classification: Pathogenic. Last evaluated: 2022-02-01. Review status: criteria provided, single submitter. Criteria: ICSL CNVClassificationCriteria Aug2020. Collection method: clinical testing. Allele origin: unknown.
Comment: This CNV is a 488 kb deletion of 2p16.3 on chromosome 2, (seq[GRCh37]del(2)(p16.3);chr2:g.51051317_51539568del), which is inherited. This CNV constitutes a deletion of exons 1 to 5 of the NRXN1 gene. The proximal breakpoint is located upstream of the first exon, affecting the alpha promoter region and the distal breakpoint is located within intron 4. Similar deletions, encompassing the first five exons of NRXN1 have been reported in the literature in at least 68 unrelated individuals with variable neurodevelopmental or neuropsychiatric disorders. In at least 13 of these individuals, the deletion has occurred de novo (Brignell et al. 2018; Cosemans et al. 2020). A larger heterozygous deletion that also affects exons 1 through 5 has been observed in one individual at a total allele frequency of 0.000046 in the Genome Aggregation Database (gnomAD SVs version 2.1). Cosemans et al. (2020) estimate the penetrance of deletions of exons 1-5 to be as low as 12.6%, and are noted to often be inherited from a clinically unaffected parent. Based on the available evidence, this CNV is classified as pathogenic.

Literature cited by the submitters: PubMed 30358070; PubMed 31932357.

GRCh37/hg19 2p16.3(chr2:51051317-51539568)x1

Gene: NRXN1 (neurexin 1; minus strand). Cytogenetic location: 2p16.3.
Variant type: copy number loss.
Change: copy number 1 (one copy instead of two) of chr2:51,051,317-51,539,568 (488.3 kb, GRCh37 coordinates, 1-based), cytogenetic band 2p16.3.
Identifiers: ClinVar variation 1710510 (VCV001710510.3).